The following is an entry in ClinVar:

ClinVar aggregate classification (germline): Benign/Likely benign. Review status: criteria provided, multiple submitters, no conflicts (2 of 4 stars). 7 submissions from 7 submitters: Benign (4); Likely benign (3). Last evaluated 2026-01-26.

Conditions:
Inborn genetic diseases. Identifiers: MedGen C0950123, MeSH D030342.
X-linked intellectual disability Cabezas type (MRXSC). Also called: CABEZAS SYNDROME; Intellectual developmental disorder, X-linked syndromic, Cabezas type; MENTAL RETARDATION, X-LINKED, SYNDROMIC 15. Identifiers: Orphanet 85289, Orphanet 85293, MedGen C1845861, MONDO:0010306, OMIM 300354.

Allele frequency attached by ClinVar (database versions not stated): TOPMed 0.00003; gnomAD exomes 0.00036; 1000 Genomes Project 0.00079; gnomAD 0.00003 and 0.00014; ExAC 0.00041; 1000 Genomes Project 30x 0.00083.
gnomAD v4.1: 201 of 1,206,861 alleles (0.017%); highest among the groups gnomAD compares: South Asian, 0.29%; no homozygotes.

Submissions (7):

Labcorp Genetics (formerly Invitae), Labcorp
Classification: Benign for X-linked intellectual disability Cabezas type. Last evaluated: 2026-01-26. Review status: criteria provided, single submitter. Criteria: Invitae Variant Classification Sherloc (09022015). Collection method: clinical testing. Allele origin: germline.

Blueprint Genetics
Classification: Likely benign. Last evaluated: 2024-11-13. Review status: criteria provided, single submitter. Criteria: ACMG Guidelines, 2015. Collection method: clinical testing. Allele origin: germline.

Athena Diagnostics
Classification: Benign. Last evaluated: 2024-10-29. Review status: criteria provided, single submitter. Criteria: Athena Diagnostics Criteria. Collection method: clinical testing. Allele origin: unknown.

CeGaT Center for Human Genetics Tuebingen
Classification: Likely benign. Last evaluated: 2022-09-01. Review status: criteria provided, single submitter. Criteria: CeGaT Center For Human Genetics Tuebingen Variant Classification Criteria Version 2. Collection method: clinical testing. Allele origin: germline. Affected: yes. Observed: 2 variant alleles.
Comment: CUL4B: BP4, BP7

GeneDx
Classification: Benign. Last evaluated: 2021-02-05. Review status: criteria provided, single submitter. Criteria: GeneDx Variant Classification Process June 2021. Collection method: clinical testing. Allele origin: germline. Affected: yes.

Genetic Services Laboratory, University of Chicago
Classification: Benign. Last evaluated: 2017-12-04. Review status: criteria provided, single submitter. Criteria: ACMG Guidelines, 2015. Collection method: clinical testing. Allele origin: germline. Affected: no.

Ambry Genetics
Classification: Likely benign for Inborn genetic diseases. Last evaluated: 2014-11-24. Review status: criteria provided, single submitter. Criteria: Ambry Variant Classification Scheme 2023. Collection method: clinical testing. Allele origin: germline.

NM_001079872.2(CUL4B):c.1797C>T (p.Val599=)

Gene: CUL4B (cullin 4B; minus strand). Cytogenetic location: Xq24.
Variant type: single nucleotide variant.
Coding change: c.1797C>T on transcript NM_001079872.2 (MANE Select); coding-DNA position 1797, C replaced by T.
Protein change: p.Val599=; no amino-acid change (valine 599 retained).
Molecular consequence: synonymous variant.
Genome position (GRCh38, 1-based): chrX:120,538,715, G>A on the plus strand (C>T on the coding strand, the complement: CUL4B is on the minus strand). VCF-style: chrX-120538715-G-A. GRCh37 (hg19) VCF-style: chrX-119672570-G-A.
Other names: c.1812C>T, p.Val604= (NM_001330624.2); c.1263C>T, p.Val421= (NM_001369145.1); c.1851C>T, p.Val617= (NM_003588.4).
Identifiers: ClinVar variation 1239584 (VCV001239584.42), dbSNP rs751833365, ClinGen allele CA10505491.